The following is an entry in ClinVar:

NM_014176.4(UBE2T):c.560T>C (p.Val187Ala)

Gene: UBE2T (ubiquitin conjugating enzyme E2 T; minus strand). Cytogenetic location: 1q32.1.
Variant type: single nucleotide variant.
Coding change: c.560T>C on transcript NM_014176.4 (MANE Select); coding-DNA position 560, T replaced by C.
Protein change: p.Val187Ala; replaces valine 187 with alanine.
Molecular consequence: missense variant.
Genome position (GRCh38, 1-based): chr1:202,331,869, A>G on the plus strand (T>C on the coding strand, the complement: UBE2T is on the minus strand). VCF-style: chr1-202331869-A-G. GRCh37 (hg19) VCF-style: chr1-202300997-A-G.
Other names: c.470T>C, p.Val157Ala (NM_001310326.2); c.560T>C (NM_014176.3); short protein forms V157A, V187A.
Identifiers: ClinVar variation 1721975 (VCV001721975.6), dbSNP rs1248742247, ClinGen allele CA344252491.

ClinVar aggregate classification (germline): Uncertain significance. Review status: criteria provided, multiple submitters, no conflicts (2 of 4 stars). 2 submissions from 2 submitters: Uncertain significance (2). Last evaluated 2026-01-19.

Allele frequency attached by ClinVar (database versions not stated): gnomAD exomes below 0.00001; TOPMed below 0.00001.
gnomAD v4.1: 5 of 1,614,138 alleles (0.00031%); highest among the groups gnomAD compares: Non-Finnish European, 0.00042%; no homozygotes.

Submissions (2):

Labcorp Genetics (formerly Invitae), Labcorp
Classification: Uncertain significance. Last evaluated: 2026-01-19. Review status: criteria provided, single submitter. Criteria: Invitae Variant Classification Sherloc (09022015). Collection method: clinical testing. Allele origin: germline.
Comment: This sequence change replaces valine, which is neutral and non-polar, with alanine, which is neutral and non-polar, at codon 187 of the UBE2T protein (p.Val187Ala). This variant is present in population databases (no rsID available, gnomAD 0.0009%). This variant has not been reported in the literature in individuals affected with UBE2T-related conditions. ClinVar contains an entry for this variant (Variation ID: 1721975). An algorithm developed to predict the effect of missense changes on protein structure and function (PolyPhen-2) suggests that this variant is likely to be tolerated. In summary, the available evidence is currently insufficient to determine the role of this variant in disease. Therefore, it has been classified as a Variant of Uncertain Significance.

Ambry Genetics
Classification: Uncertain significance. Last evaluated: 2025-02-08. Review status: criteria provided, single submitter. Criteria: Ambry Variant Classification Scheme 2023. Collection method: clinical testing. Allele origin: germline.